The following is an entry in ClinVar:

NM_001365308.1(BMPER):c.-1G>C

Gene: BMPER (BMP binding endothelial regulator; plus strand). Cytogenetic location: 7p14.3.
Variant type: single nucleotide variant.
Coding change: c.-1G>C on transcript NM_001365308.1 (MANE Select); 1 bases upstream of the start codon, G replaced by C.
Molecular consequence: 5 prime UTR variant.
Genome position (GRCh38, 1-based): chr7:33,905,613, G>C. VCF-style: chr7-33905613-G-C. GRCh37 (hg19) VCF-style: chr7-33945225-G-C.
Other names: c.-1G>C (NM_001410872.1, NM_133468.5).
Identifiers: ClinVar variation 3058607 (VCV003058607.2), dbSNP rs577209363, ClinGen allele CA4214862.
Genomic context (GRCh38, chr7:33,905,613, plus strand): 5'-GCAGCTGAGCAGAGGCGGCGGCGCGGGACCTGCAGTCGCCAGGGATTCCCTCCAGGTGAC[G>C]ATGCTCTGGTTCTCCGGCGTCGGGGCTCTGGCTGAGCGTTACTGCCGCCGCTCGCCTGGG-3'

ClinVar aggregate classification (germline): Likely benign (0 of 4 stars; one submission).

Conditions:
BMPER-related disorder. Also called: BMPER-related condition.

Allele frequency attached by ClinVar (database versions not stated): ExAC 0.00007; TOPMed 0.00007; gnomAD exomes 0.00011; gnomAD 0.00013; 1000 Genomes Project 0.00020; 1000 Genomes Project 30x 0.00031.
gnomAD v4.1: 184 of 1,612,280 alleles (0.011%); highest among the groups gnomAD compares: Admixed American, 0.045%; 1 homozygote.

Submission:

PreventionGenetics, part of Exact Sciences
Classification: Likely benign for BMPER-related condition. Last evaluated: 2019-03-05. Review status: no assertion criteria provided. Collection method: clinical testing. Allele origin: germline.
Comment: This variant is classified as likely benign based on ACMG/AMP sequence variant interpretation guidelines (Richards et al. 2015 PMID: 25741868, with internal and published modifications).